The following is an entry in ClinVar:

ClinVar aggregate classification (germline): Uncertain significance (1 of 4 stars; one submission).

Conditions:
Intellectual developmental disorder, autosomal dominant 6, with or without seizures. Also called: GRIN2B-related developmental delay, intellectual disability and autism spectrum disorder; Intellectual disability, autosomal dominant 6. Identifiers: Orphanet 589547, MedGen C3151411, MONDO:0013509, OMIM 613970.
Developmental and epileptic encephalopathy, 27 (DEE27). Also called: Epileptic encephalopathy, early infantile, 27; GRIN2B-Related Neurodevelopmental Disorder. Identifiers: Orphanet 3451, MedGen C4015316, MONDO:0014505, OMIM 616139.

Allele frequency attached by ClinVar (database versions not stated): gnomAD exomes below 0.00001; TOPMed below 0.00001.
gnomAD v4.1: 1 of 1,614,148 alleles (0.000062%); highest among the groups gnomAD compares: South Asian, 0.0011%; no homozygotes.

Submission:

Labcorp Genetics (formerly Invitae), Labcorp
Classification: Uncertain significance for Developmental and epileptic encephalopathy, 27; Intellectual developmental disorder, autosomal dominant 6, with or without seizures. Last evaluated: 2023-04-06. Review status: criteria provided, single submitter. Criteria: Invitae Variant Classification Sherloc (09022015). Collection method: clinical testing. Allele origin: germline.
Comment: In summary, the available evidence is currently insufficient to determine the role of this variant in disease. Therefore, it has been classified as a Variant of Uncertain Significance. Advanced modeling of protein sequence and biophysical properties (such as structural, functional, and spatial information, amino acid conservation, physicochemical variation, residue mobility, and thermodynamic stability) performed at Invitae indicates that this missense variant is expected to disrupt GRIN2B protein function. This variant has not been reported in the literature in individuals affected with GRIN2B-related conditions. This variant is not present in population databases (gnomAD no frequency). This sequence change replaces alanine, which is neutral and non-polar, with valine, which is neutral and non-polar, at codon 244 of the GRIN2B protein (p.Ala244Val).

NM_000834.5(GRIN2B):c.731C>T (p.Ala244Val)

Gene: GRIN2B (glutamate ionotropic receptor NMDA type subunit 2B; minus strand). Cytogenetic location: 12p13.1.
Variant type: single nucleotide variant.
Coding change: c.731C>T on transcript NM_000834.5 (MANE Select); coding-DNA position 731, C replaced by T.
Protein change: p.Ala244Val; replaces alanine 244 with valine.
Molecular consequence: missense variant.
Genome position (GRCh38, 1-based): chr12:13,753,596, G>A on the plus strand (C>T on the coding strand, the complement: GRIN2B is on the minus strand). VCF-style: chr12-13753596-G-A. GRCh37 (hg19) VCF-style: chr12-13906530-G-A.
Other names: c.731C>T, p.Ala244Val (NM_001413992.1, NM_001413993.1, NM_001413994.1 and 1 more transcripts); short protein forms A244V.
Identifiers: ClinVar variation 2923283 (VCV002923283.3), dbSNP rs1863527449, ClinGen allele CA384053684.